The following is an entry in ClinVar:

NM_004260.4(RECQL4):c.3022T>C (p.Cys1008Arg)

Gene: RECQL4 (RecQ like helicase 4; minus strand). Cytogenetic location: 8q24.3.
Variant type: single nucleotide variant.
Coding change: c.3022T>C on transcript NM_004260.4 (MANE Select); coding-DNA position 3022, T replaced by C.
Protein change: p.Cys1008Arg; replaces cysteine 1008 with arginine.
Molecular consequence: missense variant.
Genome position (GRCh38, 1-based): chr8:144,512,425, A>G on the plus strand (T>C on the coding strand, the complement: RECQL4 is on the minus strand). VCF-style: chr8-144512425-A-G. GRCh37 (hg19) VCF-style: chr8-145737808-A-G.
Other names: c.3022T>C (NM_004260.3); short protein forms C1008R.
Identifiers: ClinVar variation 1466190 (VCV001466190.7), dbSNP rs762312510, ClinGen allele CA4947970.

ClinVar aggregate classification (germline): Uncertain significance. Review status: criteria provided, multiple submitters, no conflicts (2 of 4 stars). 2 submissions from 2 submitters: Uncertain significance (2). Last evaluated 2023-12-01.

Conditions:
Baller-Gerold syndrome (BGS). Also called: CRANIOSYNOSTOSIS WITH RADIAL DEFECTS. Identifiers: Orphanet 1225, MedGen C0265308, MONDO:0009039, OMIM 218600.

Allele frequency attached by ClinVar (database versions not stated): gnomAD exomes below 0.00001; ExAC 0.00001.
gnomAD v4.1: 1 of 1,608,656 alleles (0.000062%); highest among the groups gnomAD compares: Non-Finnish European, 0.000085%; no homozygotes.

Submissions (2):

Revvity Omics, Revvity
Classification: Uncertain significance. Last evaluated: 2023-12-01. Review status: criteria provided, single submitter. Criteria: ACMG Guidelines, 2015. Collection method: clinical testing. Allele origin: germline.

Labcorp Genetics (formerly Invitae), Labcorp
Classification: Uncertain significance for Baller-Gerold syndrome. Last evaluated: 2021-02-07. Review status: criteria provided, single submitter. Criteria: Invitae Variant Classification Sherloc (09022015). Collection method: clinical testing. Allele origin: germline.
Comment: In summary, the available evidence is currently insufficient to determine the role of this variant in disease. Therefore, it has been classified as a Variant of Uncertain Significance. Experimental studies and prediction algorithms are not available or were not evaluated, and the functional significance of this variant is currently unknown. This variant has not been reported in the literature in individuals with RECQL4-related conditions. This variant is present in population databases (rs762312510, ExAC 0.002%). This sequence change replaces cysteine with arginine at codon 1008 of the RECQL4 protein (p.Cys1008Arg). The cysteine residue is weakly conserved and there is a large physicochemical difference between cysteine and arginine.